The following is an entry in ClinVar:

NM_025074.7(FRAS1):c.3398del (p.Gly1133fs)

Gene: FRAS1 (Fraser extracellular matrix complex subunit 1; plus strand). Cytogenetic location: 4q21.21.
Variant type: Deletion.
Coding change: c.3398del on transcript NM_025074.7 (MANE Select); coding-DNA position 3398, one base deleted (G; older notation c.3398delG).
Protein change: p.Gly1133fs; shifts the reading frame from glycine 1133.
Molecular consequence: frameshift variant.
Genome position (GRCh38, 1-based): chr4:78,379,831, G deleted; the last of 3 consecutive G bases (chr4:78,379,829-78,379,831); deleting any one gives the same sequence. VCF-style (leftmost placement, unchanged base first): chr4-78379828-AG-A. GRCh37 (hg19) VCF-style: chr4-79300982-AG-A.
Other names: c.3398del, p.Gly1133fs (NM_001166133.2); short protein forms G1133fs.
Identifiers: ClinVar variation 2720112 (VCV002720112.3), dbSNP rs2476930946, ClinGen allele CA2697546767.

ClinVar aggregate classification (germline): Pathogenic (1 of 4 stars; one submission).

Submission:

Labcorp Genetics (formerly Invitae), Labcorp
Classification: Pathogenic. Last evaluated: 2023-04-24. Review status: criteria provided, single submitter. Criteria: Invitae Variant Classification Sherloc (09022015). Collection method: clinical testing. Allele origin: germline.
Comment: For these reasons, this variant has been classified as Pathogenic. This variant has not been reported in the literature in individuals affected with FRAS1-related conditions. This variant is not present in population databases (gnomAD no frequency). This sequence change creates a premature translational stop signal (p.Gly1133Valfs*11) in the FRAS1 gene. It is expected to result in an absent or disrupted protein product. Loss-of-function variants in FRAS1 are known to be pathogenic (PMID: 12766769, 18671281).

Literature cited by the submitters: PubMed 12766769; PubMed 18671281.